The following is an entry in ClinVar:

NM_002796.3(PSMB4):c.347+107A>G

Gene: PSMB4 (proteasome 20S subunit beta 4; plus strand). Cytogenetic location: 1q21.3.
Variant type: single nucleotide variant.
Coding change: c.347+107A>G on transcript NM_002796.3 (MANE Select); 107 bases into the intron after coding-DNA position 347, A replaced by G.
Molecular consequence: intron variant.
Genome position (GRCh38, 1-based): chr1:151,400,294, A>G. VCF-style: chr1-151400294-A-G. GRCh37 (hg19) VCF-style: chr1-151372770-A-G.
Identifiers: ClinVar variation 2628248 (VCV002628248.2), dbSNP rs2495390, ClinGen allele CA29563429.

ClinVar aggregate classification (germline): Benign (1 of 4 stars; one submission).

Allele frequency attached by ClinVar (database versions not stated): TOPMed 0.97587; 1000 Genomes Project 30x 0.97673; 1000 Genomes Project 0.97804; gnomAD 0.97860.
gnomAD v4.1: 1,443,817 of 1,449,870 alleles (100%); highest among the groups gnomAD compares: East Asian, 100%; 719,115 homozygotes.

Submission:

Unidad de Genómica Garrahan, Hospital de Pediatría Garrahan
Classification: Benign. Last evaluated: 2023-11-12. Review status: criteria provided, single submitter. Criteria: ACMG Guidelines, 2015. Collection method: clinical testing. Allele origin: germline. Affected: no. Observed: 87 variant alleles.
Comment: This variant is classified as Benign based on local population frequency. This variant was detected in 91% of patients studied by a panel of primary immunodeficiencies. Number of patients: 87. Only high quality variants are reported.